The following is an entry in ClinVar:

NM_000282.4(PCCA):c.1169G>A (p.Arg390His)

Gene: PCCA (propionyl-CoA carboxylase subunit alpha; plus strand). Cytogenetic location: 13q32.3.
Variant type: single nucleotide variant.
Coding change: c.1169G>A on transcript NM_000282.4 (MANE Select); coding-DNA position 1169, G replaced by A.
Protein change: p.Arg390His; replaces arginine 390 with histidine.
Molecular consequence: missense variant. On other transcripts: non-coding transcript variant (5), intron variant (3).
Genome position (GRCh38, 1-based): chr13:100,301,563, G>A. VCF-style: chr13-100301563-G-A. GRCh37 (hg19) VCF-style: chr13-100953817-G-A.
Other names: c.1091G>A, p.Arg364His (NM_001127692.3, NM_001352607.2); c.1169G>A, p.Arg390His (NM_001178004.2, NM_001352605.2, NM_001352609.2); c.224G>A, p.Arg75His (NM_001352610.2, NM_001352611.2); c.1066-1361G>A (NM_001352606.2); c.121-1361G>A (NM_001352612.2); c.988-1361G>A (NM_001352608.2); short protein forms R364H, R390H, R75H.
Identifiers: ClinVar variation 1723584 (VCV001723584.4), dbSNP rs1192444349, ClinGen allele CA388695314.

ClinVar aggregate classification (germline): Uncertain significance. Review status: criteria provided, multiple submitters, no conflicts (2 of 4 stars). 2 submissions from 2 submitters: Uncertain significance (2). Last evaluated 2022-05-09.

Conditions:
Propionic acidemia (PROP). Also called: GLYCINEMIA, KETOTIC; HYPERGLYCINEMIA WITH KETOACIDOSIS AND LEUKOPENIA; KETOTIC HYPERGLYCINEMIA. Identifiers: Orphanet 35, MedGen C0268579, MONDO:0011628, OMIM 606054, HP:0003571.

Allele frequency attached by ClinVar (database versions not stated): gnomAD 0.00001; gnomAD exomes 0.00001; TOPMed 0.00001.
gnomAD v4.1: 14 of 1,613,914 alleles (0.00087%); highest among the groups gnomAD compares: Middle Eastern, 0.066%; no homozygotes.

Submissions (2):

GeneDx
Classification: Uncertain significance. Last evaluated: 2022-05-09. Review status: criteria provided, single submitter. Criteria: GeneDx Variant Classification Process June 2021. Collection method: clinical testing. Allele origin: germline. Affected: yes.
Comment: Not observed at significant frequency in large population cohorts (gnomAD); In silico analysis supports that this missense variant does not alter protein structure/function; Has not been previously published as pathogenic or benign to our knowledge

Labcorp Genetics (formerly Invitae), Labcorp
Classification: Uncertain significance for Propionic acidemia. Last evaluated: 2021-10-14. Review status: criteria provided, single submitter. Criteria: Invitae Variant Classification Sherloc (09022015). Collection method: clinical testing. Allele origin: germline.
Comment: This sequence change replaces arginine with histidine at codon 390 of the PCCA protein (p.Arg390His). The arginine residue is weakly conserved and there is a small physicochemical difference between arginine and histidine. This variant is not present in population databases (ExAC no frequency). This variant has not been reported in the literature in individuals affected with PCCA-related conditions. Algorithms developed to predict the effect of missense changes on protein structure and function (SIFT, PolyPhen-2, Align-GVGD) all suggest that this variant is likely to be tolerated. In summary, the available evidence is currently insufficient to determine the role of this variant in disease. Therefore, it has been classified as a Variant of Uncertain Significance.